The following is an entry in ClinVar:

ClinVar aggregate classification (germline): Uncertain significance. Review status: criteria provided, multiple submitters, no conflicts (2 of 4 stars). 3 submissions from 3 submitters: Uncertain significance (3). Last evaluated 2026-07-21.

Conditions:
TTLL5-related disorder. Also called: TTLL5-related condition.

Allele frequency attached by ClinVar (database versions not stated): TOPMed 0.00005; gnomAD exomes 0.00006; ExAC 0.00002; gnomAD 0.00005.
gnomAD v4.1: 85 of 1,611,902 alleles (0.0053%); highest among the groups gnomAD compares: East Asian, 0.018%; no homozygotes.

Submissions (3):

PreventionGenetics, part of Exact Sciences
Classification: Uncertain significance for TTLL5-related condition. Last evaluated: 2026-07-21. Review status: criteria provided, single submitter. Criteria: ACMG Guidelines, 2015. Collection method: clinical testing. Allele origin: germline.
Comment: The TTLL5 c.3376G>A variant is predicted to result in the amino acid substitution p.Val1126Met. To our knowledge, this variant has not been reported in the literature. This variant is present in 0.020% of alleles in individuals of East Asian descent in gnomAD. At this time, the clinical significance of this variant is uncertain due to the absence of conclusive functional and genetic evidence.

Labcorp Genetics (formerly Invitae), Labcorp
Classification: Uncertain significance. Last evaluated: 2024-04-22. Review status: criteria provided, single submitter. Criteria: Invitae Variant Classification Sherloc (09022015). Collection method: clinical testing. Allele origin: germline.
Comment: This sequence change replaces valine, which is neutral and non-polar, with methionine, which is neutral and non-polar, at codon 1126 of the TTLL5 protein (p.Val1126Met). This variant is present in population databases (rs542956518, gnomAD 0.02%). This variant has not been reported in the literature in individuals affected with TTLL5-related conditions. ClinVar contains an entry for this variant (Variation ID: 966615). Advanced modeling of protein sequence and biophysical properties (such as structural, functional, and spatial information, amino acid conservation, physicochemical variation, residue mobility, and thermodynamic stability) performed at Invitae indicates that this missense variant is not expected to disrupt TTLL5 protein function with a negative predictive value of 80%. In summary, the available evidence is currently insufficient to determine the role of this variant in disease. Therefore, it has been classified as a Variant of Uncertain Significance.

Blueprint Genetics
Classification: Uncertain significance. Last evaluated: 2023-12-01. Review status: criteria provided, single submitter. Criteria: ACMG Guidelines, 2015. Collection method: clinical testing. Allele origin: germline.

NM_015072.5(TTLL5):c.3376G>A (p.Val1126Met)

Gene: TTLL5 (tubulin tyrosine ligase like 5; plus strand). Cytogenetic location: 14q24.3.
Variant type: single nucleotide variant.
Coding change: c.3376G>A on transcript NM_015072.5 (MANE Select); coding-DNA position 3376, G replaced by A.
Protein change: p.Val1126Met; replaces valine 1126 with methionine.
Molecular consequence: missense variant.
Genome position (GRCh38, 1-based): chr14:75,863,716, G>A. VCF-style: chr14-75863716-G-A. GRCh37 (hg19) VCF-style: chr14-76330059-G-A.
Other names: short protein forms V1126M.
Identifiers: ClinVar variation 966615 (VCV000966615.10), dbSNP rs542956518, ClinGen allele CA7279999.